The following is an entry in ClinVar:

ClinVar aggregate classification (germline): Uncertain significance (1 of 4 stars; one submission).

Submission:

Labcorp Genetics (formerly Invitae), Labcorp
Classification: Uncertain significance. Last evaluated: 2022-06-18. Review status: criteria provided, single submitter. Criteria: Invitae Variant Classification Sherloc (09022015). Collection method: clinical testing. Allele origin: germline.
Comment: This variant is not present in population databases (gnomAD no frequency). This sequence change replaces leucine, which is neutral and non-polar, with valine, which is neutral and non-polar, at codon 105 of the BPGM protein (p.Leu105Val). This variant has not been reported in the literature in individuals affected with BPGM-related conditions. In summary, the available evidence is currently insufficient to determine the role of this variant in disease. Therefore, it has been classified as a Variant of Uncertain Significance. Algorithms developed to predict the effect of missense changes on protein structure and function (SIFT, PolyPhen-2, Align-GVGD) all suggest that this variant is likely to be tolerated.

NM_001724.5(BPGM):c.313T>G (p.Leu105Val)

Gene: BPGM (bisphosphoglycerate mutase; plus strand). Cytogenetic location: 7q33.
Variant type: single nucleotide variant.
Coding change: c.313T>G on transcript NM_001724.5 (MANE Select); coding-DNA position 313, T replaced by G.
Protein change: p.Leu105Val; replaces leucine 105 with valine.
Molecular consequence: missense variant.
Genome position (GRCh38, 1-based): chr7:134,661,820, T>G. VCF-style: chr7-134661820-T-G. GRCh37 (hg19) VCF-style: chr7-134346572-T-G.
Other names: c.313T>G, p.Leu105Val (NM_001293085.2, NM_199186.3); short protein forms L105V.
Identifiers: ClinVar variation 2008074 (VCV002008074.4), dbSNP rs2485479343, ClinGen allele CA369472478.